The following is an entry in ClinVar:

NM_000168.6(GLI3):c.2729G>A (p.Ser910Asn)

Gene: GLI3 (GLI family zinc finger 3; minus strand). Cytogenetic location: 7p14.1.
Variant type: single nucleotide variant.
Coding change: c.2729G>A on transcript NM_000168.6 (MANE Select); coding-DNA position 2729, G replaced by A.
Protein change: p.Ser910Asn; replaces serine 910 with asparagine.
Molecular consequence: missense variant.
Genome position (GRCh38, 1-based): chr7:41,966,344, C>T on the plus strand (G>A on the coding strand, the complement: GLI3 is on the minus strand). VCF-style: chr7-41966344-C-T. GRCh37 (hg19) VCF-style: chr7-42005942-C-T.
Other names: short protein forms S910N.
Identifiers: ClinVar variation 912025 (VCV000912025.13), dbSNP rs750790986, ClinGen allele CA4230539.
Genomic context (GRCh38, chr7:41,966,344, plus strand): 5'-TTGAGGCGGTACTGCTGGGCGGGCGTGAGGCTGAGCAGGCTGGGCAGGCCGTCGCTCTGG[C>T]TGGCTTCGCTGGAGCGGCGCGAGGCGTCGGTGGAGATGGGGTCGTAGGAGTCGGCCACGC-3'
Protein context (NP_000159.3, residues 900-920): TDASRRSSEA[Ser910Asn]QSDGLPSLLS

ClinVar aggregate classification (germline): Uncertain significance. Review status: criteria provided, multiple submitters, no conflicts (2 of 4 stars). 3 submissions from 2 submitters: Uncertain significance (3). Last evaluated 2019-11-11.

Conditions:
Greig cephalopolysyndactyly syndrome (GCPS). Also called: Greig syndrome; POLYSYNDACTYLY WITH PECULIAR SKULL SHAPE; GLI3-Related Greig Cephalopolysyndactyly Syndrome. Identifiers: Orphanet 380, MedGen C0265306, MONDO:0008287, OMIM 175700.
Pallister-Hall syndrome (PHS). Also called: HYPOTHALAMIC HAMARTOBLASTOMA, HYPOPITUITARISM, IMPERFORATE ANUS, AND POSTAXIAL POLYDACTYLY; GLI3-Related Pallister-Hall Syndrome. Identifiers: Orphanet 672, MedGen C0265220, MONDO:0007804, OMIM 146510.
Polydactyly. Also called: polydactylism. Identifiers: MedGen C0152427, MONDO:0021003, OMIM 603596, HP:0010442.

Allele frequency attached by ClinVar (database versions not stated): TOPMed below 0.00001; ExAC 0.00001; gnomAD exomes 0.00001.
gnomAD v4.1: 8 of 1,607,900 alleles (0.0005%); highest among the groups gnomAD compares: Non-Finnish European, 0.00068%; no homozygotes.

Submissions (3):

Labcorp Genetics (formerly Invitae), Labcorp
Classification: Uncertain significance for Pallister-Hall syndrome; Greig cephalopolysyndactyly syndrome. Last evaluated: 2019-11-11. Review status: criteria provided, single submitter. Criteria: Invitae Variant Classification Sherloc (09022015). Collection method: clinical testing. Allele origin: germline.
Comment: Algorithms developed to predict the effect of missense changes on protein structure and function (SIFT, PolyPhen-2, Align-GVGD) all suggest that this variant is likely to be disruptive, but these predictions have not been confirmed by published functional studies and their clinical significance is uncertain. This variant has not been reported in the literature in individuals with GLI3-related conditions. This variant is present in population databases (rs750790986, ExAC 0.002%). This sequence change replaces serine with asparagine at codon 910 of the GLI3 protein (p.Ser910Asn). The serine residue is highly conserved and there is a small physicochemical difference between serine and asparagine. In summary, the available evidence is currently insufficient to determine the role of this variant in disease. Therefore, it has been classified as a Variant of Uncertain Significance.

Illumina Laboratory Services, Illumina
Classification: Uncertain significance for Greig cephalopolysyndactyly syndrome. Last evaluated: 2018-01-12. Review status: criteria provided, single submitter. Criteria: ICSL Variant Classification Criteria 13 December 2019. Collection method: clinical testing. Allele origin: germline.

Illumina Laboratory Services, Illumina
Classification: Uncertain significance for Polydactyly. Last evaluated: 2018-01-12. Review status: criteria provided, single submitter. Criteria: ICSL Variant Classification Criteria 13 December 2019. Collection method: clinical testing. Allele origin: germline.